The following is an entry in ClinVar:

NM_001267550.2(TTN):c.34022_34041del (p.Val11341fs)

Gene: TTN (titin; minus strand). Cytogenetic location: 2q31.2.
Variant type: Deletion.
Coding change: c.34022_34041del on transcript NM_001267550.2 (MANE Select); coding-DNA positions 34022 to 34041, 20 bases deleted (TTCCTGTAGCTCTACCTCAG).
Protein change: p.Val11341fs; shifts the reading frame from valine 11341.
Molecular consequence: frameshift variant. On other transcripts: intron variant (3).
Genome position (GRCh38, 1-based): chr2:178,677,871-178,677,890, CTGAGGTAGAGCTACAGGAA deleted on the plus strand (TTCCTGTAGCTCTACCTCAG on the coding strand, the reverse complement: TTN is on the minus strand); deleting any 20 consecutive bases within chr2:178,677,871-178,677,893 gives the same sequence; the c. name uses the placement nearest the transcript's 3' end. VCF-style (leftmost placement, unchanged base first): chr2-178677870-CCTGAGGTAGAGCTACAGGAA-C. GRCh37 (hg19) VCF-style: chr2-179542597-CCTGAGGTAGAGCTACAGGAA-C.
Other names: c.33071_33090del, p.Val11024fs (NM_001256850.1); c.30290_30309del, p.Val10097fs (NM_133378.4); c.13283-35573_13283-35554del (NM_003319.4); c.13859-35573_13859-35554del (NM_133437.4); c.13658-35573_13658-35554del (NM_133432.3); short protein forms V10097fs, V11024fs, V11341fs.
Identifiers: ClinVar variation 2924510 (VCV002924510.4), dbSNP rs1364156515, ClinGen allele CA761308971.

ClinVar aggregate classification (germline): Conflicting classifications of pathogenicity. Review status: criteria provided, conflicting classifications (1 of 4 stars). 2 submissions from 2 submitters: Likely pathogenic (1); Uncertain significance (1). Last evaluated 2024-10-18.

Conditions:
Dilated cardiomyopathy 1G (CMD1G). Identifiers: Orphanet 154, MedGen C1858763, MONDO:0011400, OMIM 604145.
Autosomal recessive limb-girdle muscular dystrophy type 2J (LGMDR10). Also called: Limb-girdle muscular dystrophy, type 2J; MUSCULAR DYSTROPHY, LIMB-GIRDLE, AUTOSOMAL RECESSIVE 10. Identifiers: Orphanet 140922, MedGen C1837342, MONDO:0012127, OMIM 608807.

Submissions (2):

Labcorp Genetics (formerly Invitae), Labcorp
Classification: Likely pathogenic for Dilated cardiomyopathy 1G; Autosomal recessive limb-girdle muscular dystrophy type 2J. Last evaluated: 2024-10-18. Review status: criteria provided, single submitter. Criteria: Invitae Variant Classification Sherloc (09022015). Collection method: clinical testing. Allele origin: germline.
Comment: This sequence change creates a premature translational stop signal (p.Val11341Glyfs*7) in the TTN gene. While this is not anticipated to result in nonsense mediated decay, it is expected to create a truncated TTN protein. This variant is not present in population databases (gnomAD no frequency). This variant has not been reported in the literature in individuals affected with TTN-related conditions. This variant is located in the I band of TTN (PMID: 25589632). Truncating variants in this region have been reported in individuals affected with autosomal recessive centronuclear myopathy (PMID: 23975875, internal data). Truncating variants in this region have also been identified in individuals affected with autosomal dominant dilated cardiomyopathy and/or cardio-related conditions (PMID: 27869827, 32964742, internal data). In summary, the currently available evidence indicates that the variant is pathogenic, but additional data are needed to prove that conclusively. Therefore, this variant has been classified as Likely Pathogenic.

Blueprint Genetics
Classification: Uncertain significance. Last evaluated: 2024-09-23. Review status: criteria provided, single submitter. Criteria: ACMG Guidelines, 2015. Collection method: clinical testing. Allele origin: germline.

Literature cited by the submitters: PubMed 25589632 (cited by Labcorp Genetics (formerly Invitae), Labcorp); PubMed 23975875 (cited by Labcorp Genetics (formerly Invitae), Labcorp); PubMed 27869827 (cited by Labcorp Genetics (formerly Invitae), Labcorp); PubMed 32964742 (cited by Labcorp Genetics (formerly Invitae), Labcorp).